The following is an entry in ClinVar:

ClinVar aggregate classification (germline): Uncertain significance (1 of 4 stars; one submission).

Submission:

GeneDx
Classification: Uncertain significance. Last evaluated: 2025-08-11. Review status: criteria provided, single submitter. Criteria: GeneDx Variant Classification Process June 2021. Collection method: clinical testing. Allele origin: germline. Affected: yes.
Comment: Not observed at significant frequency in large population cohorts (gnomAD); In silico analysis supports a deleterious effect on splicing; Has not been previously published as pathogenic or benign to our knowledge

NM_000336.3(SCNN1B):c.1153-3C>G

Gene: SCNN1B (sodium channel epithelial 1 subunit beta; plus strand). Cytogenetic location: 16p12.2.
Variant type: single nucleotide variant.
Coding change: c.1153-3C>G on transcript NM_000336.3 (MANE Select); 3 bases into the intron before coding-DNA position 1153, C replaced by G.
Molecular consequence: intron variant.
Genome position (GRCh38, 1-based): chr16:23,375,735, C>G. VCF-style: chr16-23375735-C-G. GRCh37 (hg19) VCF-style: chr16-23387056-C-G.
Other names: c.1045-3C>G (NM_001410900.1).
Identifiers: ClinVar variation 4795536 (VCV004795536.1).
Genomic context (GRCh38, chr16:23,375,735, plus strand): 5'-TGGAATGGGGACATCACTGACCATGCCTGTGTTCTCTCCTTATGAACCCCCTACCCTCCC[C>G]AGGCCTGTCTTCGCTCCTGCTTCCAAGACCACATGATCCGTAACTGCAACTGTGGCCACT-3'